The following is an entry in ClinVar:

NM_003072.5(SMARCA4):c.2337C>T (p.Asp779=)

Gene: SMARCA4 (SWI/SNF related BAF chromatin remodeling complex subunit ATPase 4; plus strand). Cytogenetic location: 19p13.2.
Variant type: single nucleotide variant.
Coding change: c.2337C>T on transcript NM_003072.5 (MANE Select); coding-DNA position 2337, C replaced by T.
Protein change: p.Asp779=; no amino-acid change (aspartic acid 779 retained).
Molecular consequence: synonymous variant. On other transcripts: non-coding transcript variant (1).
Genome position (GRCh38, 1-based): chr19:11,013,011, C>T. VCF-style: chr19-11013011-C-T. GRCh37 (hg19) VCF-style: chr19-11123687-C-T.
Other names: c.2337C>T, p.Asp779= (NM_001128844.3, NM_001128845.2, NM_001128846.2 and 5 more transcripts).
Identifiers: ClinVar variation 480561 (VCV000480561.17), dbSNP rs754232348, ClinGen allele CA9204086.

ClinVar aggregate classification (germline): Benign/Likely benign. Review status: criteria provided, multiple submitters, no conflicts (2 of 4 stars). 3 submissions from 3 submitters: Benign (1); Likely benign (2). Last evaluated 2026-07-13.

Conditions:
Hereditary cancer-predisposing syndrome. Also called: Tumor predisposition; Neoplastic Syndromes, Hereditary; Hereditary Cancer Syndrome; Hereditary neoplastic syndrome. Identifiers: Orphanet 140162, MedGen C0027672, MeSH D009386, MONDO:0015356.
Rhabdoid tumor predisposition syndrome 2 (RTPS2). Identifiers: Orphanet 231108, Orphanet 69077, MedGen C2750074, MONDO:0013224, OMIM 613325.

Allele frequency attached by ClinVar (database versions not stated): gnomAD 0.00003 and 0.00002; gnomAD exomes 0.00002 and 0.00001; ExAC 0.00003; TOPMed 0.00003.
gnomAD v4.1: 13 of 1,614,104 alleles (0.00081%); highest among the groups gnomAD compares: Middle Eastern, 0.016%; no homozygotes.

Submissions (3):

Myriad Genetics, Inc.
Classification: Benign for Rhabdoid tumor predisposition syndrome 2. Last evaluated: 2026-07-13. Review status: criteria provided, single submitter. Criteria: Myriad Autosomal Dominant, Autosomal Recessive and X-Linked Classification Criteria (2023). Collection method: clinical testing. Allele origin: unknown.
Comment: This variant is considered benign. This variant is a silent/synonymous amino acid change and it is not expected to impact splicing.

Labcorp Genetics (formerly Invitae), Labcorp
Classification: Likely benign for Rhabdoid tumor predisposition syndrome 2. Last evaluated: 2025-12-05. Review status: criteria provided, single submitter. Criteria: Invitae Variant Classification Sherloc (09022015). Collection method: clinical testing. Allele origin: germline.

Ambry Genetics
Classification: Likely benign for Hereditary cancer-predisposing syndrome. Last evaluated: 2016-07-15. Review status: criteria provided, single submitter. Criteria: Ambry Variant Classification Scheme 2023. Collection method: clinical testing. Allele origin: germline.